The following is an entry in ClinVar:

NM_000059.4(BRCA2):c.6851C>G (p.Ser2284Ter)

Gene: BRCA2 (BRCA2 DNA repair associated; plus strand). Cytogenetic location: 13q13.1.
Variant type: single nucleotide variant.
Coding change: c.6851C>G on transcript NM_000059.4 (MANE Select); coding-DNA position 6851, C replaced by G.
Protein change: p.Ser2284Ter; replaces serine 2284 with a stop codon.
Molecular consequence: nonsense.
Genome position (GRCh38, 1-based): chr13:32,344,567, C>G. VCF-style: chr13-32344567-C-G. GRCh37 (hg19) VCF-style: chr13-32918704-C-G.
Other names: short protein forms S2284*.
Identifiers: ClinVar variation 846950 (VCV000846950.8), dbSNP rs2072597446, ClinGen allele CA387792635.

ClinVar aggregate classification (germline): Pathogenic (1 of 4 stars; one submission).

Conditions:
Hereditary breast ovarian cancer syndrome. Also called: Breast and ovarian cancer; Hereditary breast and ovarian cancer; Hereditary breast and/or ovarian cancer syndrome; BRCA1- and BRCA2-Associated Hereditary Breast and Ovarian Cancer; Hereditary breast and ovarian cancer syndrome; Hereditary breast and ovarian cancer syndrome (HBOC). Identifiers: Orphanet 145, MedGen C0677776, MeSH D061325, MONDO:0003582. Disease mechanism: loss of function.

Submission:

Labcorp Genetics (formerly Invitae), Labcorp
Classification: Pathogenic for Hereditary breast ovarian cancer syndrome. Last evaluated: 2019-12-22. Review status: criteria provided, single submitter. Criteria: Invitae Variant Classification Sherloc (09022015). Collection method: clinical testing. Allele origin: germline.
Comment: For these reasons, this variant has been classified as Pathogenic. Loss-of-function variants in BRCA2 are known to be pathogenic (PMID: 20104584). This variant has not been reported in the literature in individuals with BRCA2-related conditions. This variant is not present in population databases (ExAC no frequency). This sequence change creates a premature translational stop signal (p.Ser2284*) in the BRCA2 gene. It is expected to result in an absent or disrupted protein product.

Literature cited by the submitters: PubMed 20104584.